The following is an entry in ClinVar:

NM_001182.5(ALDH7A1):c.843G>C (p.Gln281His)

Gene: ALDH7A1 (aldehyde dehydrogenase 7 family member A1; minus strand). Cytogenetic location: 5q23.2.
Variant type: single nucleotide variant.
Coding change: c.843G>C on transcript NM_001182.5 (MANE Select); coding-DNA position 843, G replaced by C.
Protein change: p.Gln281His; replaces glutamine 281 with histidine.
Molecular consequence: missense variant.
Genome position (GRCh38, 1-based): chr5:126,568,287, C>G on the plus strand (G>C on the coding strand, the complement: ALDH7A1 is on the minus strand). VCF-style: chr5-126568287-C-G. GRCh37 (hg19) VCF-style: chr5-125903979-C-G.
Other names: p.Gln281His; c.759G>C, p.Gln253His (NM_001201377.2); c.843G>C, p.Gln281His (NM_001202404.2); short protein forms Q281H, Q253H.
Identifiers: ClinVar variation 653833 (VCV000653833.10), dbSNP rs771054683, ClinGen allele CA3389637.

ClinVar aggregate classification (germline): Uncertain significance. Review status: criteria provided, multiple submitters, no conflicts (2 of 4 stars). 2 submissions from 2 submitters: Uncertain significance (2). Last evaluated 2024-04-09.

Conditions:
Pyridoxine-dependent epilepsy (EPEO4). Also called: Pyridoxine-Dependent Epilepsy - ALDH7A1; EPILEPSY, EARLY-ONSET, 4, VITAMIN B6-DEPENDENT; PYRIDOXINE DEPENDENCY WITH SEIZURES; Pyridoxine-Dependent Seizures. Identifiers: Orphanet 3006, MedGen C1849508, MONDO:0009945, OMIM 266100. Disease mechanism: loss of function.

Allele frequency attached by ClinVar (database versions not stated): ExAC 0.00001; gnomAD 0.00001; gnomAD exomes below 0.00001.
gnomAD v4.1: 4 of 1,614,034 alleles (0.00025%); highest among the groups gnomAD compares: Non-Finnish European, 0.00025%; no homozygotes.

Submissions (2):

Mayo Clinic Laboratories, Mayo Clinic
Classification: Uncertain significance. Last evaluated: 2024-04-09. Review status: criteria provided, single submitter. Criteria: ACMG Guidelines, 2015. Collection method: clinical testing. Allele origin: germline. Observed: 1 variant allele.
Comment: PM2_moderate

Labcorp Genetics (formerly Invitae), Labcorp
Classification: Uncertain significance for Pyridoxine-dependent epilepsy. Last evaluated: 2018-10-08. Review status: criteria provided, single submitter. Criteria: Invitae Variant Classification Sherloc (09022015). Collection method: clinical testing. Allele origin: germline.
Comment: This sequence change replaces glutamine with histidine at codon 281 of the ALDH7A1 protein (p.Gln281His). The glutamine residue is moderately conserved and there is a small physicochemical difference between glutamine and histidine. This variant is present in population databases (rs771054683, ExAC 0.001%). This variant has not been reported in the literature in individuals with ALDH7A1-related disease. Algorithms developed to predict the effect of missense changes on protein structure and function are either unavailable or do not agree on the potential impact of this missense change (SIFT: "Tolerated"; PolyPhen-2: "Possibly Damaging"; Align-GVGD: "Class C0"). In summary, the available evidence is currently insufficient to determine the role of this variant in disease. Therefore, it has been classified as a Variant of Uncertain Significance.